The following is an entry in ClinVar:

NM_000368.5(TSC1):c.2281T>C (p.Tyr761His)

Gene: TSC1 (TSC complex subunit 1; minus strand). Cytogenetic location: 9q34.13.
Variant type: single nucleotide variant.
Coding change: c.2281T>C on transcript NM_000368.5 (MANE Select); coding-DNA position 2281, T replaced by C.
Protein change: p.Tyr761His; replaces tyrosine 761 with histidine.
Molecular consequence: missense variant.
Genome position (GRCh38, 1-based): chr9:132,902,715, A>G on the plus strand (T>C on the coding strand, the complement: TSC1 is on the minus strand). VCF-style: chr9-132902715-A-G. GRCh37 (hg19) VCF-style: chr9-135778102-A-G.
Other names: c.2278T>C, p.Tyr760His (NM_001162426.2); c.2128T>C, p.Tyr710His (NM_001162427.2); c.1918T>C, p.Tyr640His (NM_001362177.2); short protein forms Y761H, Y710H, Y760H, Y640H.
Identifiers: ClinVar variation 466072 (VCV000466072.23), dbSNP rs776386313, ClinGen allele CA032032.

ClinVar aggregate classification (germline): Conflicting classifications of pathogenicity. Review status: criteria provided, conflicting classifications (1 of 4 stars). 6 submissions from 6 submitters: Uncertain significance (3); Benign (1); Likely benign (2). Last evaluated 2025-10-20.

Conditions:
Hereditary cancer-predisposing syndrome. Also called: Hereditary neoplastic syndrome; Neoplastic Syndromes, Hereditary; Tumor predisposition; Hereditary Cancer Syndrome. Identifiers: Orphanet 140162, MedGen C0027672, MeSH D009386, MONDO:0015356.
Tuberous sclerosis syndrome (TSC). Also called: Tuberous Sclerosis Complex; Tuberous sclerosis. Identifiers: Orphanet 805, MedGen C0041341, MONDO:0001734.
Tuberous sclerosis 1 (TSC1). Identifiers: Orphanet 805, MedGen C1854465, MONDO:0008612, OMIM 191100.

Allele frequency attached by ClinVar (database versions not stated): TOPMed below 0.00001; ExAC 0.00001; gnomAD exomes 0.00001.
gnomAD v4.1: 9 of 1,614,094 alleles (0.00056%); highest among the groups gnomAD compares: Admixed American, 0.0033%; no homozygotes.

Submissions (6):

Ambry Genetics
Classification: Uncertain significance for Hereditary cancer-predisposing syndrome. Last evaluated: 2025-10-20. Review status: criteria provided, single submitter. Criteria: Ambry Variant Classification Scheme 2023. Collection method: clinical testing. Allele origin: germline.
Comment: The c.2281T>C (p.Y761H) alteration is located in exon 18 (coding exon 16) of the TSC1 gene. This alteration results from a T to C substitution at nucleotide position 2281, causing the tyrosine (Y) at amino acid position 761 to be replaced by a histidine (H). Based on data from gnomAD, the C allele has an overall frequency of 0.001% (2/251432) total alleles studied. The highest observed frequency was 0.006% (2/34590) of Latino alleles. Based on insufficient or conflicting evidence, the clinical significance of this alteration remains unclear.

Labcorp Genetics (formerly Invitae), Labcorp
Classification: Benign for Tuberous sclerosis 1. Last evaluated: 2025-09-27. Review status: criteria provided, single submitter. Criteria: Invitae Variant Classification Sherloc (09022015). Collection method: clinical testing. Allele origin: germline.

Quest Diagnostics Nichols Institute San Juan Capistrano
Classification: Uncertain significance. Last evaluated: 2025-06-24. Review status: criteria provided, single submitter. Criteria: Quest Diagnostics criteria. Collection method: clinical testing. Allele origin: unknown.

All of Us Research Program, National Institutes of Health
Classification: Likely benign for Tuberous sclerosis syndrome. Last evaluated: 2024-03-24. Review status: criteria provided, single submitter. Criteria: ACMG Guidelines, 2015. Collection method: clinical testing. Allele origin: germline. Inheritance: Autosomal dominant inheritance. Observed: 1 variant allele, 1 heterozygote.
Comment: This study involves interpretation of variants in research participants for the purpose of population health screening. Participant phenotype was not available at the time of variant classification. Additional details can be found in publication PMID: 35346344, PMCID: PMC8962531

Genome-Nilou Lab
Classification: Likely benign for Tuberous sclerosis 1. Last evaluated: 2021-11-07. Review status: criteria provided, single submitter. Criteria: ACMG Guidelines, 2015. Collection method: clinical testing. Allele origin: germline. Affected: no.

Mendelics
Classification: Uncertain significance for Tuberous sclerosis 1. Last evaluated: 2019-05-28. Review status: criteria provided, single submitter. Criteria: Mendelics Assertion Criteria 2017. Collection method: clinical testing. Allele origin: unknown.